The following is an entry in ClinVar:

ClinVar aggregate classification (germline): Uncertain significance (1 of 4 stars; one submission).

gnomAD v4.1: 1 of 1,614,172 alleles (0.000062%); highest among the groups gnomAD compares: Non-Finnish European, 0.000085%; no homozygotes.

Submission:

Ambry Genetics
Classification: Uncertain significance. Last evaluated: 2025-01-31. Review status: criteria provided, single submitter. Criteria: Ambry Variant Classification Scheme 2023. Collection method: clinical testing. Allele origin: germline.
Comment: The p.K664R variant (also known as c.1991A>G), located in coding exon 19 of the SRP72 gene, results from an A to G substitution at nucleotide position 1991. The lysine at codon 664 is replaced by arginine, an amino acid with highly similar properties. This amino acid position is conserved. In addition, the in silico prediction for this alteration is inconclusive. Based on the available evidence, the clinical significance of this variant remains unclear.

NM_006947.4(SRP72):c.1991A>G (p.Lys664Arg)

Gene: SRP72 (signal recognition particle 72; plus strand). Cytogenetic location: 4q12.
Variant type: single nucleotide variant.
Coding change: c.1991A>G on transcript NM_006947.4 (MANE Select); coding-DNA position 1991, A replaced by G.
Protein change: p.Lys664Arg; replaces lysine 664 with arginine.
Molecular consequence: missense variant. On other transcripts: non-coding transcript variant (1).
Genome position (GRCh38, 1-based): chr4:56,501,836, A>G. VCF-style: chr4-56501836-A-G. GRCh37 (hg19) VCF-style: chr4-57368002-A-G.
Other names: c.1808A>G, p.Lys603Arg (NM_001267722.2); short protein forms K603R, K664R.
Identifiers: ClinVar variation 3801469 (VCV003801469.1).
Genomic context (GRCh38, chr4:56,501,836, plus strand): 5'-CAAGACACCAGAAACCTGCAGGGGCTCCAGCAACAAAAAAGAAACAGCAACAGAAAAAGA[A>G]GAAAGGTGGAAAAGGTGGCTGGTGATGAGAATATTCTTGTTGCAGGCTGTTTTTAAACTA-3'
Protein context (NP_008878.3, residues 654-671): ATKKKQQQKK[Lys664Arg]KGGKGGW